The following is an entry in ClinVar:

ClinVar aggregate classification (germline): Uncertain significance (1 of 4 stars; one submission).

Conditions:
Dilated cardiomyopathy 1DD (CMD1DD). Identifiers: Orphanet 154, MedGen C2750995, MONDO:0013168, OMIM 613172.

gnomAD v4.1: 1 of 1,551,652 alleles (0.000064%); highest among the groups gnomAD compares: African/African-American, 0.0014%; no homozygotes.

Submission:

Labcorp Genetics (formerly Invitae), Labcorp
Classification: Uncertain significance for Dilated cardiomyopathy 1DD. Last evaluated: 2023-07-08. Review status: criteria provided, single submitter. Criteria: Invitae Variant Classification Sherloc (09022015). Collection method: clinical testing. Allele origin: germline.
Comment: This sequence change replaces glycine, which is neutral and non-polar, with alanine, which is neutral and non-polar, at codon 201 of the RBM20 protein (p.Gly201Ala). In summary, the available evidence is currently insufficient to determine the role of this variant in disease. Therefore, it has been classified as a Variant of Uncertain Significance. Advanced modeling of protein sequence and biophysical properties (such as structural, functional, and spatial information, amino acid conservation, physicochemical variation, residue mobility, and thermodynamic stability) performed at Invitae indicates that this missense variant is not expected to disrupt RBM20 protein function. This variant has not been reported in the literature in individuals affected with RBM20-related conditions. This variant is not present in population databases (gnomAD no frequency).

NM_001134363.3(RBM20):c.602G>C (p.Gly201Ala)

Gene: RBM20 (RNA binding motif protein 20; plus strand). Cytogenetic location: 10q25.2.
Variant type: single nucleotide variant.
Coding change: c.602G>C on transcript NM_001134363.3 (MANE Select); coding-DNA position 602, G replaced by C.
Protein change: p.Gly201Ala; replaces glycine 201 with alanine.
Molecular consequence: missense variant.
Genome position (GRCh38, 1-based): chr10:110,781,211, G>C. VCF-style: chr10-110781211-G-C. GRCh37 (hg19) VCF-style: chr10-112540969-G-C.
Other names: short protein forms G201A.
Identifiers: ClinVar variation 3014121 (VCV003014121.3), dbSNP rs1229827743, ClinGen allele CA378381518.